The following is an entry in ClinVar:

ClinVar aggregate classification (germline): Uncertain significance (1 of 4 stars; one submission).

Submission:

GeneDx
Classification: Uncertain significance. Last evaluated: 2019-11-12. Review status: criteria provided, single submitter. Criteria: GeneDx Variant Classification Process June 2021. Collection method: clinical testing. Allele origin: germline. Affected: yes.
Comment: Not observed in large population cohorts (Lek et al., 2016); In silico analysis, which includes protein predictors and evolutionary conservation, supports that this variant does not alter protein structure/function; Has not been previously published as pathogenic or benign to our knowledge

NM_001197104.2(KMT2A):c.2405C>T (p.Ser802Phe)

Gene: KMT2A (lysine methyltransferase 2A; plus strand). Cytogenetic location: 11q23.3.
Variant type: single nucleotide variant.
Coding change: c.2405C>T on transcript NM_001197104.2 (MANE Select); coding-DNA position 2405, C replaced by T.
Protein change: p.Ser802Phe; replaces serine 802 with phenylalanine.
Molecular consequence: missense variant.
Genome position (GRCh38, 1-based): chr11:118,473,564, C>T. VCF-style: chr11-118473564-C-T. GRCh37 (hg19) VCF-style: chr11-118344279-C-T.
Other names: c.2405C>T, p.Ser802Phe (NM_005933.4); short protein forms S802F.
Identifiers: ClinVar variation 1310032 (VCV001310032.2), dbSNP rs782623689, ClinGen allele CA382815104.